The following is an entry in ClinVar:

ClinVar aggregate classification (germline): Conflicting classifications of pathogenicity. Review status: criteria provided, conflicting classifications (1 of 4 stars). 3 submissions from 3 submitters: Uncertain significance (1); Likely benign (1). 1 of the submissions does not count toward it. Last evaluated 2026-04-14.

Conditions:
KMT2D-related disorder. Also called: KMT2D-Related Disorders.
Inborn genetic diseases. Identifiers: MedGen C0950123, MeSH D030342.

Allele frequency attached by ClinVar (database versions not stated): TOPMed below 0.00001; gnomAD 0.00001; gnomAD exomes 0.00001.
gnomAD v4.1: 49 of 1,550,710 alleles (0.0032%); highest among the groups gnomAD compares: Non-Finnish European, 0.004%; no homozygotes.

Submissions (3):

PreventionGenetics, part of Exact Sciences
Classification: Uncertain significance for KMT2D-related condition. Last evaluated: 2026-04-14. Review status: criteria provided, single submitter. Criteria: ACMG Guidelines, 2015. Collection method: clinical testing. Allele origin: germline.
Comment: The KMT2D c.11875C>A variant is predicted to result in the amino acid substitution p.Gln3959Lys. To our knowledge, this variant has not been reported in the literature. This variant is reported in 0.0027% of alleles in individuals of European (Non-Finnish) descent in gnomAD. At this time, the clinical significance of this variant is uncertain due to the absence of conclusive functional and genetic evidence.

Ambry Genetics
Classification: Likely benign for Inborn genetic diseases. Last evaluated: 2024-11-14. Review status: criteria provided, single submitter. Criteria: Ambry Variant Classification Scheme 2023. Collection method: clinical testing. Allele origin: germline.

ITMI
No classification provided. Condition: AllHighlyPenetrant. Last evaluated: 2013-09-19. Review status: no classification provided. Collection method: reference population. Allele origin: germline. Not counted in ClinVar's aggregate classification.
Comment: Please see associated publication for description of ethnicities

Literature cited by the submitters: PubMed 24728327 (cited by ITMI).

NM_003482.4(KMT2D):c.11875C>A (p.Gln3959Lys)

Gene: KMT2D (lysine methyltransferase 2D; minus strand). Cytogenetic location: 12q13.12.
Variant type: single nucleotide variant.
Coding change: c.11875C>A on transcript NM_003482.4 (MANE Select); coding-DNA position 11875, C replaced by A.
Protein change: p.Gln3959Lys; replaces glutamine 3959 with lysine.
Molecular consequence: missense variant.
Genome position (GRCh38, 1-based): chr12:49,032,830, G>T on the plus strand (C>A on the coding strand, the complement: KMT2D is on the minus strand). VCF-style: chr12-49032830-G-T. GRCh37 (hg19) VCF-style: chr12-49426613-G-T.
Other names: c.11875C>A (NM_003482.3); short protein forms Q3959K.
Identifiers: ClinVar variation 134712 (VCV000134712.3), dbSNP rs587778473, ClinGen allele CA160593.
Genomic context (GRCh38, chr12:49,032,830, plus strand): 5'-TTAAAAGGCCCATCTGCTGCTGTTGCTGCTGCTGTTGAAACTGCTGCTGTTGTTGTTGCT[G>T]TTGCTGTTGTAGCTGCTGTTGCTGCTGTTGAAGCTGTTGCTGCTGCTGTTGTTGAAGCTG-3'
Protein context (NP_003473.3, residues 3949-3969): QQQQQQLQQQ[Gln3959Lys]QQQQQQFQQQ